The following is an entry in ClinVar:

NM_007259.5(VPS45):c.939G>A (p.Ala313=)

Gene: VPS45 (vacuolar protein sorting 45 homolog; plus strand). Cytogenetic location: 1q21.2.
Variant type: single nucleotide variant.
Coding change: c.939G>A on transcript NM_007259.5 (MANE Select); coding-DNA position 939, G replaced by A.
Protein change: p.Ala313=; no amino-acid change (alanine 313 retained).
Molecular consequence: synonymous variant. On other transcripts: non-coding transcript variant (1).
Genome position (GRCh38, 1-based): chr1:150,082,718, G>A. VCF-style: chr1-150082718-G-A. GRCh37 (hg19) VCF-style: chr1-150054802-G-A.
Other names: c.624G>A, p.Ala208= (NM_001279353.2); c.831G>A, p.Ala277= (NM_001279354.2).
Identifiers: ClinVar variation 760620 (VCV000760620.15), dbSNP rs142461153, ClinGen allele CA1073279.

ClinVar aggregate classification (germline): Likely benign. Review status: criteria provided, multiple submitters, no conflicts (2 of 4 stars). 4 submissions from 4 submitters: Likely benign (2). 2 of the submissions do not count toward it. Last evaluated 2025-08-01.

Conditions:
Congenital neutropenia-myelofibrosis-nephromegaly syndrome. Also called: Severe congenital neutropenia 5, autosomal recessive. Identifiers: Orphanet 369852, MedGen C3809031, MONDO:0014118, OMIM 615285.
VPS45-related disorder. Also called: VPS45-related condition.

Allele frequency attached by ClinVar (database versions not stated): gnomAD exomes 0.00004 and 0.00012; gnomAD 0.00005 and 0.00010; TOPMed 0.00005; ExAC 0.00012; ESP Exome Variant Server 0.00015; 1000 Genomes Project 30x 0.00078; 1000 Genomes Project 0.00100.
gnomAD v4.1: 75 of 1,611,352 alleles (0.0047%); highest among the groups gnomAD compares: East Asian, 0.089%; no homozygotes.

Submissions (4):

Labcorp Genetics (formerly Invitae), Labcorp
Classification: Likely benign for Congenital neutropenia-myelofibrosis-nephromegaly syndrome. Last evaluated: 2025-08-01. Review status: criteria provided, single submitter. Criteria: Invitae Variant Classification Sherloc (09022015). Collection method: clinical testing. Allele origin: germline.

Blueprint Genetics
Classification: Likely benign. Last evaluated: 2024-10-23. Review status: criteria provided, single submitter. Criteria: ACMG Guidelines, 2015. Collection method: clinical testing. Allele origin: germline.

PreventionGenetics, part of Exact Sciences
Classification: Likely benign for VPS45-related condition. Last evaluated: 2021-11-17. Review status: no assertion criteria provided. Collection method: clinical testing. Allele origin: germline. Not counted in ClinVar's aggregate classification.
Comment: This variant is classified as likely benign based on ACMG/AMP sequence variant interpretation guidelines (Richards et al. 2015 PMID: 25741868, with internal and published modifications).

Natera, Inc.
Classification: Likely benign for Autosomal recessive severe congenital neutropenia 5. Last evaluated: 2020-06-18. Review status: no assertion criteria provided. Collection method: clinical testing. Allele origin: germline. Not counted in ClinVar's aggregate classification.